The following is an entry in ClinVar:

ClinVar aggregate classification (germline): Conflicting classifications of pathogenicity. Review status: criteria provided, conflicting classifications (1 of 4 stars). 4 submissions from 4 submitters: Likely pathogenic (1); Uncertain significance (1). 2 of the submissions do not count toward it. Last evaluated 2025-08-04.

Conditions:
Odonto-onycho-dermal dysplasia. Identifiers: Orphanet 2721, MedGen C0796093, MONDO:0009773, OMIM 257980.
Tooth agenesis, selective, 4 (STHAG4). Also called: SUCCEDANEOUS TEETH, AGENESIS OF; TOOTH AGENESIS, SELECTIVE, 4, WITH OR WITHOUT ECTODERMAL DYSPLASIA; LATERAL INCISORS, ABSENCE OF; LATERAL INCISORS, PEGGED OR MISSING. Identifiers: Orphanet 99798, MedGen C1835492, MONDO:0007881, OMIM 150400. Disease mechanism: loss of function.
Schöpf-Schulz-Passarge syndrome. Also called: SchC6pf-Schulz-Passarge syndrome; ECCRINE TUMORS WITH ECTODERMAL DYSPLASIA; KERATOSIS PALMOPLANTARIS WITH CYSTIC EYELIDS, HYPODONTIA, AND HYPOTRICHOSIS. Identifiers: Orphanet 50944, MedGen C1857069, MONDO:0009145, OMIM 224750.

Submissions (4):

Labcorp Genetics (formerly Invitae), Labcorp
Classification: Uncertain significance for Tooth agenesis, selective, 4; Odonto-onycho-dermal dysplasia. Last evaluated: 2025-08-04. Review status: criteria provided, single submitter. Criteria: Invitae Variant Classification Sherloc (09022015). Collection method: clinical testing. Allele origin: germline.
Comment: This sequence change replaces tryptophan, which is neutral and slightly polar, with cysteine, which is neutral and slightly polar, at codon 277 of the WNT10A protein (p.Trp277Cys). This variant is not present in population databases (gnomAD no frequency). This missense change has been observed in individuals with autosomal dominant tooth agenesis and/or autosomal recessive ectodermal dysplasia (PMID: 22581971, 24700731, 26087098, 28976000, 33725141). ClinVar contains an entry for this variant (Variation ID: 1175006). Invitae Evidence Modeling of protein sequence and biophysical properties (such as structural, functional, and spatial information, amino acid conservation, physicochemical variation, residue mobility, and thermodynamic stability) indicates that this missense variant is expected to disrupt WNT10A protein function with a positive predictive value of 80%. Experimental studies have shown that this missense change affects WNT10A function (PMID: 33034246). In summary, the available evidence is currently insufficient to determine the role of this variant in disease. Therefore, it has been classified as a Variant of Uncertain Significance.

Natera, Inc.
Classification: Likely pathogenic for Schopf-Schulz-Passarge syndrome. Last evaluated: 2025-05-16. Review status: criteria provided, single submitter. Criteria: Natera Variant Classification Schema (03/2026). Collection method: clinical testing. Allele origin: germline.
Comment: The c.831G>C variant in WNT10A is a missense variant predicted to cause substitution of tryptophan to cysteine at amino acid 277. This variant is rare in the general population with a frequency below the threshold expected for the associated phenotype(s). This variant has been observed in one or more individuals affected with the associated recessive disease, as either homozygous or compound heterozygous with a second variant (PMID: 27650966). Computational prediction algorithms indicate this variant is likely to affect gene or protein function. Given the available evidence, this variant is classified as Likely Pathogenic.

Diagnostic Laboratory, Department of Genetics, University Medical Center Groningen
Classification: Likely pathogenic. Review status: no assertion criteria provided. Collection method: clinical testing. Allele origin: germline. Affected: yes. Study: VKGL Data-share Consensus. Not counted in ClinVar's aggregate classification.

Genome Diagnostics Laboratory, University Medical Center Utrecht
Classification: Pathogenic. Review status: no assertion criteria provided. Collection method: clinical testing. Allele origin: germline. Affected: yes. Study: VKGL Data-share Consensus. Not counted in ClinVar's aggregate classification.

Literature cited by the submitters: PubMed 22581971 (cited by Labcorp Genetics (formerly Invitae), Labcorp); PubMed 24700731 (cited by Labcorp Genetics (formerly Invitae), Labcorp); PubMed 26087098 (cited by Labcorp Genetics (formerly Invitae), Labcorp); PubMed 28976000 (cited by Labcorp Genetics (formerly Invitae), Labcorp); PubMed 33725141 (cited by Labcorp Genetics (formerly Invitae), Labcorp); PubMed 33034246 (cited by Labcorp Genetics (formerly Invitae), Labcorp); PubMed 27650966 (cited by Natera, Inc.).

NM_025216.3(WNT10A):c.831G>C (p.Trp277Cys)

Gene: WNT10A (Wnt family member 10A; plus strand). Cytogenetic location: 2q35.
Variant type: single nucleotide variant.
Coding change: c.831G>C on transcript NM_025216.3 (MANE Select); coding-DNA position 831, G replaced by C.
Protein change: p.Trp277Cys; replaces tryptophan 277 with cysteine.
Molecular consequence: missense variant.
Genome position (GRCh38, 1-based): chr2:218,892,848, G>C. VCF-style: chr2-218892848-G-C. GRCh37 (hg19) VCF-style: chr2-219757570-G-C.
Other names: c.831G>C (NM_025216.2); short protein forms W277C.
Identifiers: ClinVar variation 1175006 (VCV001175006.7), dbSNP rs1234227647, ClinGen allele CA350589731.